The following is an entry in ClinVar:

NM_014727.3(KMT2B):c.2287C>G (p.Pro763Ala)

Gene: KMT2B (lysine methyltransferase 2B; plus strand). Cytogenetic location: 19q13.12.
Variant type: single nucleotide variant.
Coding change: c.2287C>G on transcript NM_014727.3 (MANE Select); coding-DNA position 2287, C replaced by G.
Protein change: p.Pro763Ala; replaces proline 763 with alanine.
Molecular consequence: missense variant.
Genome position (GRCh38, 1-based): chr19:35,721,634, C>G. VCF-style: chr19-35721634-C-G. GRCh37 (hg19) VCF-style: chr19-36212536-C-G.
Other names: short protein forms P763A.
Identifiers: ClinVar variation 3640424 (VCV003640424.2).
Genomic context (GRCh38, chr19:35,721,634, plus strand): 5'-GCCTTGCAAACCCAGCTCCTGCCCCAGGCACTACCGCCACCACAGCCACAGCTGCAGCCA[C>G]CGCCGTCACCACAGCAGATGCCTCCCCTGGAAAAAGCCCGGATTGCGGGCGTGGGTTCCT-3'
Protein context (NP_055542.1, residues 753-773): LPPPQPQLQP[Pro763Ala]PSPQQMPPLE

ClinVar aggregate classification (germline): Uncertain significance (1 of 4 stars; one submission).

Submission:

Labcorp Genetics (formerly Invitae), Labcorp
Classification: Uncertain significance. Last evaluated: 2025-11-10. Review status: criteria provided, single submitter. Criteria: Invitae Variant Classification Sherloc (09022015). Collection method: clinical testing. Allele origin: germline.
Comment: This sequence change replaces proline, which is neutral and non-polar, with alanine, which is neutral and non-polar, at codon 763 of the KMT2B protein (p.Pro763Ala). This variant is not present in population databases (gnomAD no frequency). This variant has not been reported in the literature in individuals affected with KMT2B-related conditions. ClinVar contains an entry for this variant (Variation ID: 3640424). Invitae Evidence Modeling of protein sequence and biophysical properties (such as structural, functional, and spatial information, amino acid conservation, physicochemical variation, residue mobility, and thermodynamic stability) indicates that this missense variant is not expected to disrupt KMT2B protein function with a negative predictive value of 95%. In summary, the available evidence is currently insufficient to determine the role of this variant in disease. Therefore, it has been classified as a Variant of Uncertain Significance.